The following is an entry in ClinVar:

NM_133259.4(LRPPRC):c.3837A>G (p.Ala1279=)

Gene: LRPPRC (leucine rich pentatricopeptide repeat containing; minus strand). Cytogenetic location: 2p21.
Variant type: single nucleotide variant.
Coding change: c.3837A>G on transcript NM_133259.4 (MANE Select); coding-DNA position 3837, A replaced by G.
Protein change: p.Ala1279=; no amino-acid change (alanine 1279 retained).
Molecular consequence: synonymous variant.
Genome position (GRCh38, 1-based): chr2:43,896,697, T>C on the plus strand (A>G on the coding strand, the complement: LRPPRC is on the minus strand). VCF-style: chr2-43896697-T-C. GRCh37 (hg19) VCF-style: chr2-44123836-T-C.
Identifiers: ClinVar variation 382972 (VCV000382972.4), dbSNP rs1000290192, ClinGen allele CA16604202.

ClinVar aggregate classification (germline): Likely benign. Review status: criteria provided, multiple submitters, no conflicts (2 of 4 stars). 2 submissions from 2 submitters: Likely benign (2). Last evaluated 2023-02-18.

Allele frequency attached by ClinVar (database versions not stated): gnomAD exomes below 0.00001; gnomAD 0.00001; TOPMed 0.00001.
gnomAD v4.1: 3 of 1,603,828 alleles (0.00019%); highest among the groups gnomAD compares: African/African-American, 0.004%; no homozygotes.

Submissions (2):

Labcorp Genetics (formerly Invitae), Labcorp
Classification: Likely benign. Last evaluated: 2023-02-18. Review status: criteria provided, single submitter. Criteria: Invitae Variant Classification Sherloc (09022015). Collection method: clinical testing. Allele origin: germline.

GeneDx
Classification: Likely benign. Last evaluated: 2016-02-25. Review status: criteria provided, single submitter. Criteria: GeneDx Variant Classification (06012015). Collection method: clinical testing. Allele origin: germline. Affected: yes.
Comment: This variant is considered likely benign or benign based on one or more of the following criteria: it is a conservative change, it occurs at a poorly conserved position in the protein, it is predicted to be benign by multiple in silico algorithms, and/or has population frequency not consistent with disease.